The following is an entry in ClinVar:

ClinVar aggregate classification (germline): Benign. Review status: reviewed by expert panel (3 of 4 stars). 35 submissions from 33 submitters: Benign (1). 34 of the submissions do not count toward it. Last evaluated 2019-06-18.

Conditions:
BRCA2-related cancer predisposition. Identifiers: MedGen CN377758, MONDO:0700269.
Prostate cancer. Also called: Malignant tumor of prostate. Identifiers: Orphanet 1331, MedGen C0376358, MONDO:0008315, HP:0012125.
Medulloblastoma (MDB). Also called: MEDULLOBLASTOMA PREDISPOSITION SYNDROME; Medulloblastoma, somatic. Identifiers: Orphanet 616, MedGen C0025149, MeSH D008527, MONDO:0007959, OMIM 155255, HP:0002885.
Breast-ovarian cancer, familial, susceptibility to, 2 (BROVCA2). Also called: BRCA2 Hereditary Breast and Ovarian Cancer. Identifiers: Orphanet 145, MedGen C2675520, MONDO:0012933, OMIM 612555. Disease mechanism: loss of function.
Fanconi anemia complementation group D1. Also called: BRCA2-Related Fanconi Anemia. Identifiers: Orphanet 319462, MedGen C1838457, MONDO:0011584, OMIM 605724.
Wilms tumor 1 (WT1). Also called: Wilms tumor, somatic. Identifiers: Orphanet 654, MedGen CN033288, MONDO:0008679, OMIM 194070.
Pancreatic cancer, susceptibility to, 2. Identifiers: Orphanet 1333, MedGen C3150546, MONDO:0013235, OMIM 613347.
Glioma susceptibility 3 (GLM3). Also called: Glioblastoma 3. Identifiers: Orphanet 182067, Orphanet 360, MedGen C2751641, MONDO:0013093, OMIM 613029.
Familial cancer of breast. Also called: BREAST CANCER, FAMILIAL; hereditary breast carcinoma; Hereditary breast cancer. Identifiers: Orphanet 227535, MedGen C0346153, MONDO:0016419, OMIM 114480. Disease mechanism: loss of function.
Breast and/or ovarian cancer. Identifiers: MedGen CN221562.
Hereditary cancer-predisposing syndrome. Also called: Hereditary Cancer Syndrome; Tumor predisposition; Neoplastic Syndromes, Hereditary; Hereditary neoplastic syndrome. Identifiers: Orphanet 140162, MedGen C0027672, MeSH D009386, MONDO:0015356.
Hereditary breast ovarian cancer syndrome. Also called: Breast and ovarian cancer; BRCA1- and BRCA2-Associated Hereditary Breast and Ovarian Cancer; Hereditary breast and ovarian cancer; Hereditary breast and ovarian cancer syndrome (HBOC); Hereditary breast and ovarian cancer syndrome; Hereditary breast and/or ovarian cancer syndrome. Identifiers: Orphanet 145, MedGen C0677776, MeSH D061325, MONDO:0003582. Disease mechanism: loss of function.

Allele frequency attached by ClinVar (database versions not stated): ESP Exome Variant Server 0.00231; gnomAD exomes 0.00021 and 0.00055; ExAC 0.00073; 1000 Genomes Project 0.00140; 1000 Genomes Project 30x 0.00141; gnomAD 0.00188 and 0.00202; TOPMed 0.00220.
gnomAD v4.1: 612 of 1,614,036 alleles (0.038%); highest among the groups gnomAD compares: African/African-American, 0.52%; 2 homozygotes.

Submissions 1 to 18 of 35:

Evidence-based Network for the Interpretation of Germline Mutant Alleles (ENIGMA)
Classification: Benign for Breast-ovarian cancer, familial, susceptibility to, 2. Last evaluated: 2019-06-18. Review status: reviewed by expert panel. Criteria: ENIGMA BRCA1/2 Classification Criteria (2017-06-29). Collection method: curation. Allele origin: germline.
Comment: IARC class based on posterior probability from multifactorial likelihood analysis, thresholds for class as per Plon et al. 2008 (PMID: 18951446). Class 1 based on posterior probability = 0.000863

Labcorp Genetics (formerly Invitae), Labcorp
Classification: Benign for Hereditary breast ovarian cancer syndrome. Last evaluated: 2026-02-03. Review status: criteria provided, single submitter. Criteria: Invitae Variant Classification Sherloc (09022015). Collection method: clinical testing. Allele origin: germline. Not counted in ClinVar's aggregate classification.

Dasa
Classification: Benign for Breast-ovarian cancer, familial, susceptibility to, 2. Last evaluated: 2025-10-31. Review status: criteria provided, single submitter. Criteria: DASA Assertion Criteria. Collection method: clinical testing. Allele origin: germline. Not counted in ClinVar's aggregate classification.
Comment: NM_000059.4(BRCA2):c.8503T>C (p.Ser2835Pro) is a missense variant that results in the substitution of serine with proline. Population frequency is inconsistent with a disease-causing role for this variant. Therefore, based on the currently available evidence, this variant is classified as benign.

CeGaT Center for Human Genetics Tuebingen
Classification: Likely benign. Last evaluated: 2025-10-01. Review status: criteria provided, single submitter. Criteria: CeGaT Center For Human Genetics Tuebingen Variant Classification Criteria Version 2. Collection method: clinical testing. Allele origin: germline. Affected: yes. Observed: 6 variant alleles. Not counted in ClinVar's aggregate classification.
Comment: BRCA2: BP4, BS3:Supporting, BS1

ARUP Laboratories, Molecular Genetics and Genomics, ARUP Laboratories
Classification: Benign. Last evaluated: 2025-05-21. Review status: criteria provided, single submitter. Criteria: ARUP Molecular Germline Variant Investigation Process 2024. Collection method: clinical testing. Allele origin: germline. Not counted in ClinVar's aggregate classification.

Center for Genomic Medicine, Rigshospitalet, Copenhagen University Hospital
Classification: Benign. Last evaluated: 2025-03-04. Review status: criteria provided, single submitter. Criteria: ACMG Guidelines, 2015. Collection method: clinical testing. Allele origin: germline. Not counted in ClinVar's aggregate classification.

KCCC/NGS Laboratory, Kuwait Cancer Control Center
Classification: Benign for Familial cancer of breast. Last evaluated: 2025-02-01. Review status: criteria provided, single submitter. Criteria: ACMG Guidelines, 2015. Collection method: clinical testing. Allele origin: germline. Affected: no. Not counted in ClinVar's aggregate classification.

Blueprint Genetics
Classification: Likely benign. Last evaluated: 2024-11-13. Review status: criteria provided, single submitter. Criteria: ACMG Guidelines, 2015. Collection method: clinical testing. Allele origin: germline. Not counted in ClinVar's aggregate classification.

All of Us Research Program, National Institutes of Health
Classification: Likely benign for BRCA2-related cancer predisposition. Last evaluated: 2024-09-24. Review status: criteria provided, single submitter. Criteria: ACMG Guidelines, 2015. Collection method: clinical testing. Allele origin: germline. Inheritance: Autosomal dominant inheritance. Observed: 145 variant alleles, 145 heterozygotes. Not counted in ClinVar's aggregate classification.
Comment: This study involves interpretation of variants in research participants for the purpose of population health screening. Participant phenotype was not available at the time of variant classification. Additional details can be found in publication PMID: 35346344, PMCID: PMC8962531

KCCC/NGS Laboratory, Kuwait Cancer Control Center
Classification: Benign for Breast-ovarian cancer, familial, susceptibility to, 2. Last evaluated: 2023-07-07. Review status: criteria provided, single submitter. Criteria: ACMG Guidelines, 2015. Collection method: clinical testing. Allele origin: germline. Affected: yes. Not counted in ClinVar's aggregate classification.

CHEO Genetics Diagnostic Laboratory, Children's Hospital of Eastern Ontario
Classification: Benign for Breast and/or ovarian cancer. Last evaluated: 2022-08-29. Review status: criteria provided, single submitter. Criteria: ACMG Guidelines, 2015. Collection method: clinical testing. Allele origin: germline. Not counted in ClinVar's aggregate classification.

Fulgent Genetics
Classification: Likely benign for Familial cancer of breast; Medulloblastoma; Familial prostate cancer; Wilms tumor 1; Fanconi anemia complementation group D1; Breast-ovarian cancer, familial, susceptibility to, 2; Glioma susceptibility 3; Pancreatic cancer, susceptibility to, 2. Last evaluated: 2022-02-07. Review status: criteria provided, single submitter. Criteria: ACMG Guidelines, 2015. Collection method: clinical testing. Allele origin: unknown. Not counted in ClinVar's aggregate classification.

Genetic Services Laboratory, University of Chicago
Classification: Likely benign. Last evaluated: 2022-01-04. Review status: criteria provided, single submitter. Criteria: ACMG Guidelines, 2015. Collection method: clinical testing. Allele origin: germline. Affected: no. Not counted in ClinVar's aggregate classification.

Genetics Program, Instituto Nacional de Cancer
Classification: Likely benign for Hereditary breast ovarian cancer syndrome. Last evaluated: 2021-11-01. Review status: criteria provided, single submitter. Criteria: ACMG Guidelines, 2015. Collection method: research. Allele origin: germline. Affected: yes. Not counted in ClinVar's aggregate classification.

Sema4
Classification: Benign for Hereditary cancer-predisposing syndrome. Last evaluated: 2020-10-08. Review status: criteria provided, single submitter. Criteria: Sema4 Curation Guidelines. Collection method: curation. Allele origin: germline. Not counted in ClinVar's aggregate classification.

Mendelics
Classification: Likely benign for Breast-ovarian cancer, familial, susceptibility to, 2. Last evaluated: 2019-05-28. Review status: criteria provided, single submitter. Criteria: Mendelics Assertion Criteria 2017. Collection method: clinical testing. Allele origin: unknown. Not counted in ClinVar's aggregate classification.

Illumina Laboratory Services, Illumina
Classification: Likely benign for Breast-ovarian cancer, familial, susceptibility to, 2. Last evaluated: 2018-03-06. Review status: criteria provided, single submitter. Criteria: ICSL Variant Classification Criteria 13 December 2019. Collection method: clinical testing. Allele origin: germline. Not counted in ClinVar's aggregate classification.
Comment: This variant was observed in the ICSL laboratory as part of a predisposition screen in an ostensibly healthy population. It had not been previously curated by ICSL or reported in the Human Gene Mutation Database (HGMD: prior to June 1st, 2018), and was therefore a candidate for classification through an automated scoring system. Utilizing variant allele frequency, disease prevalence and penetrance estimates, and inheritance mode, an automated score was calculated to assess if this variant is too frequent to cause the disease. Based on the score and internal cut-off values, a variant classified as likely benign is not then subjected to further curation. The score for this variant resulted in a classification of likely benign for this disease.

Illumina Laboratory Services, Illumina
Classification: Likely benign for Fanconi anemia complementation group D1. Last evaluated: 2018-03-06. Review status: criteria provided, single submitter. Criteria: ICSL Variant Classification Criteria 13 December 2019. Collection method: clinical testing. Allele origin: germline. Not counted in ClinVar's aggregate classification.
Comment: the same text as in the submission from Illumina Laboratory Services, Illumina above.

NM_000059.4(BRCA2):c.8503T>C (p.Ser2835Pro)

Gene: BRCA2 (BRCA2 DNA repair associated; plus strand). Cytogenetic location: 13q13.1.
Variant type: single nucleotide variant.
Coding change: c.8503T>C on transcript NM_000059.4 (MANE Select); coding-DNA position 8503, T replaced by C.
Protein change: p.Ser2835Pro; replaces serine 2835 with proline.
Molecular consequence: missense variant.
Genome position (GRCh38, 1-based): chr13:32,370,971, T>C. VCF-style: chr13-32370971-T-C. GRCh37 (hg19) VCF-style: chr13-32945108-T-C.
Other names: p.S2835P:TCA>CCA; short protein forms S2835P.
Identifiers: ClinVar variation 52606 (VCV000052606.116), dbSNP rs11571746, ClinGen allele CA025684.